The following is an entry in ClinVar:

ClinVar aggregate classification (germline): Uncertain significance. Review status: criteria provided, multiple submitters, no conflicts (2 of 4 stars). 2 submissions from 2 submitters: Uncertain significance (2). Last evaluated 2024-12-20.

Conditions:
Cardiovascular phenotype. Identifiers: MedGen CN230736.
Long QT syndrome (LQTS). Identifiers: MedGen C0023976, MeSH D008133, MONDO:0002442. Disease mechanism: loss of function. Inheritance: Various modes of inheritance.

gnomAD v4.1: 2 of 1,609,772 alleles (0.00012%); highest among the groups gnomAD compares: Non-Finnish European, 0.00017%; no homozygotes.

Submissions (2):

Ambry Genetics
Classification: Uncertain significance for Cardiovascular phenotype. Last evaluated: 2024-12-20. Review status: criteria provided, single submitter. Criteria: Ambry Variant Classification Scheme 2023. Collection method: clinical testing. Allele origin: germline.
Comment: The p.T763R variant (also known as c.2288C>G), located in coding exon 21 of the ANK2 gene, results from a C to G substitution at nucleotide position 2288. The threonine at codon 763 is replaced by arginine, an amino acid with similar properties. This amino acid position is conserved. In addition, this alteration is predicted to be deleterious by in silico analysis. Based on the available evidence, the clinical significance of this variant remains unclear.

Labcorp Genetics (formerly Invitae), Labcorp
Classification: Uncertain significance for Long QT syndrome. Last evaluated: 2021-06-11. Review status: criteria provided, single submitter. Criteria: Invitae Variant Classification Sherloc (09022015). Collection method: clinical testing. Allele origin: germline.
Comment: This variant is not present in population databases (ExAC no frequency). This sequence change replaces threonine with arginine at codon 763 of the ANK2 protein (p.Thr763Arg). The threonine residue is highly conserved and there is a moderate physicochemical difference between threonine and arginine. This variant has not been reported in the literature in individuals with ANK2-related conditions. Algorithms developed to predict the effect of missense changes on protein structure and function are either unavailable or do not agree on the potential impact of this missense change (SIFT: "Deleterious"; PolyPhen-2: "Benign"; Align-GVGD: "Class C0"). In summary, the available evidence is currently insufficient to determine the role of this variant in disease. Therefore, it has been classified as a Variant of Uncertain Significance.

NM_001148.6(ANK2):c.2288C>G (p.Thr763Arg)

Gene: ANK2 (ankyrin 2; plus strand). Cytogenetic location: 4q26.
Variant type: single nucleotide variant.
Coding change: c.2288C>G on transcript NM_001148.6 (MANE Select); coding-DNA position 2288, C replaced by G.
Protein change: p.Thr763Arg; replaces threonine 763 with arginine.
Molecular consequence: missense variant.
Genome position (GRCh38, 1-based): chr4:113,292,426, C>G. VCF-style: chr4-113292426-C-G. GRCh37 (hg19) VCF-style: chr4-114213582-C-G.
Other names: c.2225C>G, p.Thr742Arg (NM_001127493.3, NM_001354239.2, NM_001354243.2 and 10 more transcripts); c.2288C>G, p.Thr763Arg (NM_001354225.2, NM_001354228.2, NM_001354232.2 and 6 more transcripts); c.2333C>G, p.Thr778Arg (NM_001354230.2, NM_001354231.2, NM_001354237.2 and 5 more transcripts); c.2189C>G, p.Thr730Arg (NM_001354245.2, NM_001354268.2); c.2201C>G, p.Thr734Arg (NM_001354249.2, NM_001354266.2, NM_001354267.2 and 10 more transcripts); c.2078C>G, p.Thr693Arg (NM_001354269.3); c.2126C>G, p.Thr709Arg (NM_001354270.2, NM_001386156.1, NM_001354253.2 and 1 more transcripts); c.2102C>G, p.Thr701Arg (NM_001354271.2, NM_001386151.1, NM_001354260.2); and 9 more; short protein forms T635R, T697R, T709R, T751R, T772R, T668R, T693R, T701R.
Identifiers: ClinVar variation 1497358 (VCV001497358.9), dbSNP rs1279672563, ClinGen allele CA357919069.